The following is an entry in ClinVar:

ClinVar aggregate classification (germline): Uncertain significance (1 of 4 stars; one submission).

Conditions:
Peroxisome biogenesis disorder 11A (Zellweger). Also called: Peroxisome biogenesis disorder 11A. Identifiers: Orphanet 912, MedGen C3554000, MONDO:0013949, OMIM 614883.

Submission:

Labcorp Genetics (formerly Invitae), Labcorp
Classification: Uncertain significance for Peroxisome biogenesis disorder 11A (Zellweger). Last evaluated: 2021-07-13. Review status: criteria provided, single submitter. Criteria: Invitae Variant Classification Sherloc (09022015). Collection method: clinical testing. Allele origin: germline.
Comment: This sequence change replaces threonine with serine at codon 70 of the PEX13 protein (p.Thr70Ser). The threonine residue is moderately conserved and there is a small physicochemical difference between threonine and serine. This variant is not present in population databases (ExAC no frequency). This variant has not been reported in the literature in individuals with PEX13-related conditions. Algorithms developed to predict the effect of missense changes on protein structure and function (SIFT, PolyPhen-2, Align-GVGD) all suggest that this variant is likely to be tolerated, but these predictions have not been confirmed by published functional studies and their clinical significance is uncertain. In summary, the available evidence is currently insufficient to determine the role of this variant in disease. Therefore, it has been classified as a Variant of Uncertain Significance.

NM_002618.4(PEX13):c.209C>G (p.Thr70Ser)

Gene: PEX13 (peroxisomal biogenesis factor 13; plus strand). Cytogenetic location: 2p15.
Variant type: single nucleotide variant.
Coding change: c.209C>G on transcript NM_002618.4 (MANE Select); coding-DNA position 209, C replaced by G.
Protein change: p.Thr70Ser; replaces threonine 70 with serine.
Molecular consequence: missense variant.
Genome position (GRCh38, 1-based): chr2:61,031,535, C>G. VCF-style: chr2-61031535-C-G. GRCh37 (hg19) VCF-style: chr2-61258670-C-G.
Other names: short protein forms T70S.
Identifiers: ClinVar variation 1446025 (VCV001446025.8), dbSNP rs2104803233, ClinGen allele CA346941573.